The following is an entry in ClinVar:

NM_004304.5(ALK):c.3197T>G (p.Leu1066Arg)

Gene: ALK (ALK receptor tyrosine kinase; minus strand). Cytogenetic location: 2p23.2.
Variant type: single nucleotide variant.
Coding change: c.3197T>G on transcript NM_004304.5 (MANE Select); coding-DNA position 3197, T replaced by G.
Protein change: p.Leu1066Arg; replaces leucine 1066 with arginine.
Molecular consequence: missense variant. On other transcripts: 5 prime UTR variant (1).
Genome position (GRCh38, 1-based): chr2:29,223,504, A>C on the plus strand (T>G on the coding strand, the complement: ALK is on the minus strand). VCF-style: chr2-29223504-A-C. GRCh37 (hg19) VCF-style: chr2-29446370-A-C.
Other names: c.-8T>G (NM_001353765.2); short protein forms L1066R.
Identifiers: ClinVar variation 1720093 (VCV001720093.5), dbSNP rs2148171136, ClinGen allele CA346465644.

ClinVar aggregate classification (germline): Uncertain significance (1 of 4 stars; one submission).

Conditions:
Neuroblastoma, susceptibility to, 3. Also called: ALK-Related Neuroblastic Tumor Susceptibility. Identifiers: Orphanet 635, MedGen C2751681, MONDO:0013083, OMIM 613014.

Submission:

Labcorp Genetics (formerly Invitae), Labcorp
Classification: Uncertain significance for Neuroblastoma, susceptibility to, 3. Last evaluated: 2022-09-23. Review status: criteria provided, single submitter. Criteria: Invitae Variant Classification Sherloc (09022015). Collection method: clinical testing. Allele origin: germline.
Comment: In summary, the available evidence is currently insufficient to determine the role of this variant in disease. Therefore, it has been classified as a Variant of Uncertain Significance. This sequence change replaces leucine, which is neutral and non-polar, with arginine, which is basic and polar, at codon 1066 of the ALK protein (p.Leu1066Arg). This variant is not present in population databases (gnomAD no frequency). This variant has not been reported in the literature in individuals affected with ALK-related conditions. Algorithms developed to predict the effect of missense changes on protein structure and function (SIFT, PolyPhen-2, Align-GVGD) all suggest that this variant is likely to be disruptive.